The following is an entry in ClinVar:

NM_024101.7(MLPH):c.1508C>A (p.Ser503Ter)

Gene: MLPH (melanophilin; plus strand). Cytogenetic location: 2q37.3.
Variant type: single nucleotide variant.
Coding change: c.1508C>A on transcript NM_024101.7 (MANE Select); coding-DNA position 1508, C replaced by A.
Protein change: p.Ser503Ter; replaces serine 503 with a stop codon.
Molecular consequence: nonsense. On other transcripts: non-coding transcript variant (1).
Genome position (GRCh38, 1-based): chr2:237,542,628, C>A. VCF-style: chr2-237542628-C-A. GRCh37 (hg19) VCF-style: chr2-238451271-C-A.
Other names: c.1424C>A, p.Ser475Ter (NM_001042467.3); c.1148C>A, p.Ser383Ter (NM_001281473.2); c.1079C>A, p.Ser360Ter (NM_001281474.2); short protein forms S360*, S383*, S475*, S503*.
Identifiers: ClinVar variation 4855049 (VCV004855049.1).

ClinVar aggregate classification (germline): Pathogenic (1 of 4 stars; one submission).

Conditions:
Griscelli syndrome type 3 (GS3). Identifiers: Orphanet 381, Orphanet 79478, MedGen C1836573, MONDO:0012220, OMIM 609227.

Submission:

3billion
Classification: Pathogenic for Griscelli syndrome type 3. Last evaluated: 2025-06-23. Review status: criteria provided, single submitter. Criteria: ACMG Guidelines, 2015. Collection method: clinical testing. Allele origin: germline. Affected: yes.
Comment: The variant is not observed in the gnomAD v4.1.0 dataset. Predicted Consequence/Location: Stop-gained (nonsense): predicted to result in a loss or disruption of normal protein function through nonsense-mediated decay (NMD) or protein truncation. Multiple pathogenic variants are reported downstream of the variant. Therefore, this variant is classified as Pathogenic according to the recommendation of ACMG/AMP guideline.